The following is an entry in ClinVar:

NM_000466.3(PEX1):c.2359C>T (p.Leu787Phe)

Gene: PEX1 (peroxisomal biogenesis factor 1; minus strand). Cytogenetic location: 7q21.2.
Variant type: single nucleotide variant.
Coding change: c.2359C>T on transcript NM_000466.3 (MANE Select); coding-DNA position 2359, C replaced by T.
Protein change: p.Leu787Phe; replaces leucine 787 with phenylalanine.
Molecular consequence: missense variant.
Genome position (GRCh38, 1-based): chr7:92,501,947, G>A on the plus strand (C>T on the coding strand, the complement: PEX1 is on the minus strand). VCF-style: chr7-92501947-G-A. GRCh37 (hg19) VCF-style: chr7-92131261-G-A.
Other names: c.2188C>T, p.Leu730Phe (NM_001282677.2); c.1735C>T, p.Leu579Phe (NM_001282678.2); short protein forms L730F, L579F, L787F.
Identifiers: ClinVar variation 2184695 (VCV002184695.4), dbSNP rs1482163833, ClinGen allele CA368177410.

ClinVar aggregate classification (germline): Uncertain significance (1 of 4 stars; one submission).

Conditions:
Zellweger spectrum disorders (ZS). Also called: Zellweger Spectrum Disorder; Zellweger Spectrum; Zellweger syndrome; Zellweger Spectrum Disorder (ZSD). Identifiers: Orphanet 912, MedGen C0043459, MONDO:0019609.

Allele frequency attached by ClinVar (database versions not stated): TOPMed below 0.00001; gnomAD 0.00001.
gnomAD v4.1: 5 of 1,613,860 alleles (0.00031%); highest among the groups gnomAD compares: Non-Finnish European, 0.00042%; no homozygotes.

Submission:

Labcorp Genetics (formerly Invitae), Labcorp
Classification: Uncertain significance for Zellweger spectrum disorders. Last evaluated: 2022-06-28. Review status: criteria provided, single submitter. Criteria: Invitae Variant Classification Sherloc (09022015). Collection method: clinical testing. Allele origin: germline.
Comment: This variant has not been reported in the literature in individuals affected with PEX1-related conditions. Algorithms developed to predict the effect of missense changes on protein structure and function are either unavailable or do not agree on the potential impact of this missense change (SIFT: "Tolerated"; PolyPhen-2: "Possibly Damaging"; Align-GVGD: "Class C0"). In summary, the available evidence is currently insufficient to determine the role of this variant in disease. Therefore, it has been classified as a Variant of Uncertain Significance. This sequence change replaces leucine, which is neutral and non-polar, with phenylalanine, which is neutral and non-polar, at codon 787 of the PEX1 protein (p.Leu787Phe). This variant is not present in population databases (gnomAD no frequency).